The following is an entry in ClinVar:

ClinVar aggregate classification (germline): Uncertain significance. Review status: criteria provided, multiple submitters, no conflicts (2 of 4 stars). 2 submissions from 2 submitters: Uncertain significance (2). Last evaluated 2025-12-15.

gnomAD v4.1: 6 of 1,613,422 alleles (0.00037%); highest among the groups gnomAD compares: Non-Finnish European, 0.00051%; no homozygotes.

Submissions (2):

Women's Health and Genetics/Laboratory Corporation of America, LabCorp
Classification: Uncertain significance. Last evaluated: 2025-12-15. Review status: criteria provided, single submitter. Criteria: LabCorp Variant Classification Summary - May 2015. Collection method: clinical testing. Allele origin: germline.
Comment: Variant summary: COQ2 c.826G>A (p.Gly276Ser) results in a non-conservative amino acid change in the encoded protein sequence. Algorithms developed to predict the effect of missense changes on protein structure and function all suggest that this variant is likely to be disruptive. The variant was absent in 248710 control chromosomes. The available data on variant occurrences in the general population are insufficient to allow any conclusion about variant significance. To our knowledge, no occurrence of c.826G>A in individuals affected with COQ2-related conditions and no experimental evidence demonstrating its impact on protein function have been reported. ClinVar contains an entry for this variant (Variation ID: 1897173). Based on the evidence outlined above, the variant was classified as uncertain significance.

Labcorp Genetics (formerly Invitae), Labcorp
Classification: Uncertain significance. Last evaluated: 2022-09-06. Review status: criteria provided, single submitter. Criteria: Invitae Variant Classification Sherloc (09022015). Collection method: clinical testing. Allele origin: germline.
Comment: This sequence change replaces glycine, which is neutral and non-polar, with serine, which is neutral and polar, at codon 276 of the COQ2 protein (p.Gly276Ser). This variant is present in population databases (no rsID available, gnomAD 0.007%). This variant has not been reported in the literature in individuals affected with COQ2-related conditions. Algorithms developed to predict the effect of missense changes on protein structure and function (SIFT, PolyPhen-2, Align-GVGD) all suggest that this variant is likely to be disruptive. In summary, the available evidence is currently insufficient to determine the role of this variant in disease. Therefore, it has been classified as a Variant of Uncertain Significance.

NM_001358921.2(COQ2):c.676G>A (p.Gly226Ser)

Gene: COQ2 (coenzyme Q2, polyprenyltransferase; minus strand). Cytogenetic location: 4q21.23.
Variant type: single nucleotide variant.
Coding change: c.676G>A on transcript NM_001358921.2 (MANE Select); coding-DNA position 676, G replaced by A.
Protein change: p.Gly226Ser; replaces glycine 226 with serine.
Molecular consequence: missense variant.
Genome position (GRCh38, 1-based): chr4:83,269,946, C>T on the plus strand (G>A on the coding strand, the complement: COQ2 is on the minus strand). VCF-style: chr4-83269946-C-T. GRCh37 (hg19) VCF-style: chr4-84191099-C-T.
Other names: c.826G>A, p.Gly276Ser (NM_015697.9); short protein forms G226S, G276S.
Identifiers: ClinVar variation 1897173 (VCV001897173.3), dbSNP rs553681443, ClinGen allele CA357229777.
Genomic context (GRCh38, chr4:83,269,946, plus strand): 5'-TTAGTGTCCACATAACTCCAGAAAAATAAAGAGGCAGGCAAACAGATGGATCACAGGAAC[C>T]CTTGATAGCAGACCATCCAAGTAACGCTCCCCAATTAAATGTCAAGCCTACAATTAGCAA-3'
Protein context (NP_001345850.1, residues 216-236): GALLGWSAIK[Gly226Ser]SCDPSVCLPL